The following is an entry in ClinVar:

NM_001288705.3(CSF1R):c.1753+7T>C

Gene: CSF1R (colony stimulating factor 1 receptor; minus strand). Cytogenetic location: 5q32.
Variant type: single nucleotide variant.
Coding change: c.1753+7T>C on transcript NM_001288705.3 (MANE Select); 7 bases into the intron after coding-DNA position 1753, T replaced by C.
Molecular consequence: intron variant.
Genome position (GRCh38, 1-based): chr5:150,061,716, A>G on the plus strand (T>C on the coding strand, the complement: CSF1R is on the minus strand). VCF-style: chr5-150061716-A-G. GRCh37 (hg19) VCF-style: chr5-149441279-A-G.
Other names: c.1309+7T>C (NM_001375321.1); c.1753+7T>C (NM_005211.4, NM_001375320.1, NM_001349736.2).
Identifiers: ClinVar variation 757347 (VCV000757347.13), dbSNP rs553205005, ClinGen allele CA3506726.

ClinVar aggregate classification (germline): Benign/Likely benign. Review status: criteria provided, multiple submitters, no conflicts (2 of 4 stars). 3 submissions from 3 submitters: Benign (1); Likely benign (2). Last evaluated 2026-02-01.

Allele frequency attached by ClinVar (database versions not stated): gnomAD exomes 0.00010 and 0.00020; ExAC 0.00021; 1000 Genomes Project 30x 0.00031; 1000 Genomes Project 0.00040; gnomAD 0.00001 and 0.00007; TOPMed 0.00001.
gnomAD v4.1: 160 of 1,614,168 alleles (0.0099%); highest among the groups gnomAD compares: South Asian, 0.16%; 1 homozygote.

Submissions (3):

CeGaT Center for Human Genetics Tuebingen
Classification: Likely benign. Last evaluated: 2026-02-01. Review status: criteria provided, single submitter. Criteria: CeGaT Center For Human Genetics Tuebingen Variant Classification Criteria Version 2. Collection method: clinical testing. Allele origin: germline. Affected: yes. Observed: 1 variant allele.
Comment: CSF1R: BP4

Labcorp Genetics (formerly Invitae), Labcorp
Classification: Benign. Last evaluated: 2025-04-30. Review status: criteria provided, single submitter. Criteria: Invitae Variant Classification Sherloc (09022015). Collection method: clinical testing. Allele origin: germline.

Blueprint Genetics
Classification: Likely benign. Last evaluated: 2023-11-13. Review status: criteria provided, single submitter. Criteria: ACMG Guidelines, 2015. Collection method: clinical testing. Allele origin: germline.